The following is an entry in ClinVar:

ClinVar aggregate classification (germline): Uncertain significance (1 of 4 stars; one submission).

Conditions:
Developmental and epileptic encephalopathy, 12 (DEE12). Identifiers: MedGen C3150988, MONDO:0013389, OMIM 613722.

Allele frequency attached by ClinVar (database versions not stated): gnomAD exomes below 0.00001.
gnomAD v4.1: 1 of 1,614,112 alleles (0.000062%); highest among the groups gnomAD compares: East Asian, 0.0022%; no homozygotes.

Submission:

Labcorp Genetics (formerly Invitae), Labcorp
Classification: Uncertain significance for Developmental and epileptic encephalopathy, 12. Last evaluated: 2020-05-22. Review status: criteria provided, single submitter. Criteria: Invitae Variant Classification Sherloc (09022015). Collection method: clinical testing. Allele origin: germline.
Comment: Algorithms developed to predict the effect of sequence changes on RNA splicing suggest that this variant may create or strengthen a splice site, but this prediction has not been confirmed by published transcriptional studies. Algorithms developed to predict the effect of missense changes on protein structure and function (SIFT, PolyPhen-2, Align-GVGD) all suggest that this variant is likely to be disruptive, but these predictions have not been confirmed by published functional studies and their clinical significance is uncertain. This variant has not been reported in the literature in individuals with PNKP-related conditions. This variant is not present in population databases (ExAC no frequency). This sequence change replaces glycine with arginine at codon 182 of the PNKP protein (p.Gly182Arg). The glycine residue is highly conserved and there is a moderate physicochemical difference between glycine and arginine. In summary, the available evidence is currently insufficient to determine the role of this variant in disease. Therefore, it has been classified as a Variant of Uncertain Significance.

NM_007254.4(PNKP):c.544G>A (p.Gly182Arg)

Gene: PNKP (polynucleotide kinase 3'-phosphatase; minus strand). Cytogenetic location: 19q13.33.
Variant type: single nucleotide variant.
Coding change: c.544G>A on transcript NM_007254.4 (MANE Select); coding-DNA position 544, G replaced by A.
Protein change: p.Gly182Arg; replaces glycine 182 with arginine.
Molecular consequence: missense variant.
Genome position (GRCh38, 1-based): chr19:49,864,358, C>T on the plus strand (G>A on the coding strand, the complement: PNKP is on the minus strand). VCF-style: chr19-49864358-C-T. GRCh37 (hg19) VCF-style: chr19-50367615-C-T.
Other names: short protein forms G182R.
Identifiers: ClinVar variation 1003908 (VCV001003908.11), dbSNP rs2074802768, ClinGen allele CA406887221.